The following is an entry in ClinVar:

ClinVar aggregate classification (germline): Uncertain significance (1 of 4 stars; one submission).

Conditions:
Inborn genetic diseases. Identifiers: MedGen C0950123, MeSH D030342.

Submission:

Ambry Genetics
Classification: Uncertain significance for Inborn genetic diseases. Last evaluated: 2025-11-04. Review status: criteria provided, single submitter. Criteria: Ambry Variant Classification Scheme 2023. Collection method: clinical testing. Allele origin: germline.
Comment: The p.R863K variant (also known as c.2588G>A), located in coding exon 23 of the ANKRD26 gene, results from a G to A substitution at nucleotide position 2588. The arginine at codon 863 is replaced by lysine, an amino acid with highly similar properties. This amino acid position is conserved. In addition, this alteration is predicted to be tolerated by in silico analysis. Based on the available evidence, the clinical significance of this variant remains unclear.

NM_014915.3(ANKRD26):c.2588G>A (p.Arg863Lys)

Gene: ANKRD26 (ankyrin repeat domain 26; minus strand). Cytogenetic location: 10p12.1.
Variant type: single nucleotide variant.
Coding change: c.2588G>A on transcript NM_014915.3 (MANE Select); coding-DNA position 2588, G replaced by A.
Protein change: p.Arg863Lys; replaces arginine 863 with lysine.
Molecular consequence: missense variant.
Genome position (GRCh38, 1-based): chr10:27,037,295, C>T on the plus strand (G>A on the coding strand, the complement: ANKRD26 is on the minus strand). VCF-style: chr10-27037295-C-T. GRCh37 (hg19) VCF-style: chr10-27326224-C-T.
Other names: c.2585G>A, p.Arg862Lys (NM_001256053.2); short protein forms R862K, R863K.
Identifiers: ClinVar variation 4579822 (VCV004579822.1).